The following is an entry in ClinVar:

ClinVar aggregate classification (germline): Uncertain significance. Review status: criteria provided, multiple submitters, no conflicts (2 of 4 stars). 2 submissions from 2 submitters: Uncertain significance (2). Last evaluated 2025-11-18.

Conditions:
Inborn genetic diseases. Identifiers: MedGen C0950123, MeSH D030342.

Allele frequency attached by ClinVar (database versions not stated): gnomAD exomes 0.00001; TOPMed 0.00002; gnomAD 0.00003 and 0.00004.
gnomAD v4.1: 18 of 1,614,042 alleles (0.0011%); highest among the groups gnomAD compares: African/African-American, 0.0027%; no homozygotes.

Submissions (2):

Labcorp Genetics (formerly Invitae), Labcorp
Classification: Uncertain significance. Last evaluated: 2025-11-18. Review status: criteria provided, single submitter. Criteria: Invitae Variant Classification Sherloc (09022015). Collection method: clinical testing. Allele origin: germline.
Comment: This sequence change replaces histidine, which is basic and polar, with arginine, which is basic and polar, at codon 1440 of the ATR protein (p.His1440Arg). This variant is present in population databases (no rsID available, gnomAD 0.004%). This variant has not been reported in the literature in individuals affected with ATR-related conditions. ClinVar contains an entry for this variant (Variation ID: 1013962). An algorithm developed to predict the effect of missense changes on protein structure and function (PolyPhen-2) suggests that this variant is likely to be tolerated. In summary, the available evidence is currently insufficient to determine the role of this variant in disease. Therefore, it has been classified as a Variant of Uncertain Significance.

Ambry Genetics
Classification: Uncertain significance for Inborn genetic diseases. Last evaluated: 2025-04-16. Review status: criteria provided, single submitter. Criteria: Ambry Variant Classification Scheme 2023. Collection method: clinical testing. Allele origin: germline.

NM_001184.4(ATR):c.4319A>G (p.His1440Arg)

Gene: ATR (ATR checkpoint kinase; minus strand). Cytogenetic location: 3q23.
Variant type: single nucleotide variant.
Coding change: c.4319A>G on transcript NM_001184.4 (MANE Select); coding-DNA position 4319, A replaced by G.
Protein change: p.His1440Arg; replaces histidine 1440 with arginine.
Molecular consequence: missense variant.
Genome position (GRCh38, 1-based): chr3:142,519,732, T>C on the plus strand (A>G on the coding strand, the complement: ATR is on the minus strand). VCF-style: chr3-142519732-T-C. GRCh37 (hg19) VCF-style: chr3-142238574-T-C.
Other names: c.4319A>G (NM_001184.3); c.4127A>G, p.His1376Arg (NM_001354579.2); short protein forms H1376R, H1440R.
Identifiers: ClinVar variation 1013962 (VCV001013962.12), dbSNP rs1419619777, ClinGen allele CA354800290.